The following is an entry in ClinVar:

Conditions:
Breast-ovarian cancer, familial, susceptibility to, 1 (BROVCA1). Also called: BRCA1 Hereditary Breast and Ovarian Cancer; OVARIAN CANCER, SUSCEPTIBILITY TO. Identifiers: Orphanet 145, MedGen C2676676, MONDO:0011450, OMIM 604370. Disease mechanism: loss of function.

Submission:

Brotman Baty Institute, University of Washington
No classification provided (evidence only). Condition: Breast-ovarian cancer, familial 1. Review status: no classification provided. Collection method: in vitro. Allele origin: not applicable. Functional consequence: functionally_normal.
ClinVar note: "not provided" was previously submitted as the classification for the variant. However, the classification appeared to be based only on an observation of functional data so it was converted to no classification on 2025-07-30.

NM_007294.4(BRCA1):c.4931A>C (p.Glu1644Ala)

Gene: BRCA1 (BRCA1 DNA repair associated; minus strand). Cytogenetic location: 17q21.31.
Variant type: single nucleotide variant.
Coding change: c.4931A>C on transcript NM_007294.4 (MANE Select); coding-DNA position 4931, A replaced by C.
Protein change: p.Glu1644Ala; replaces glutamic acid 1644 with alanine.
Molecular consequence: missense variant. On other transcripts: non-coding transcript variant (1).
Genome position (GRCh38, 1-based): chr17:43,070,983, T>G on the plus strand (A>C on the coding strand, the complement: BRCA1 is on the minus strand). VCF-style: chr17-43070983-T-G. GRCh37 (hg19) VCF-style: chr17-41223000-T-G.
Other names: c.4718A>C, p.Glu1573Ala (NM_001407571.1, NM_001407897.1, NM_001407898.1 and 12 more transcripts); c.4997A>C, p.Glu1666Ala (NM_001407581.1, NM_001407582.1); c.4994A>C, p.Glu1665Ala (NM_001407583.1, NM_001407585.1, NM_001407587.1 and 1 more transcripts); c.4991A>C, p.Glu1664Ala (NM_001407590.1, NM_001407591.1); c.4931A>C, p.Glu1644Ala (NM_001407593.1, NM_001407594.1, NM_001407596.1 and 8 more transcripts); c.4928A>C, p.Glu1643Ala (NM_001407610.1, NM_001407611.1, NM_001407612.1 and 17 more transcripts); c.4925A>C, p.Glu1642Ala (NM_001407627.1, NM_001407628.1, NM_001407629.1 and 14 more transcripts); c.4919A>C, p.Glu1640Ala (NM_001407646.1); and 70 more; short protein forms E1665A, E1597A, E1644A, E540A, E1347A, E1515A, E1516A, E1556A.
Identifiers: ClinVar variation 865698 (VCV000865698.3), dbSNP rs80357016, ClinGen allele CA10591661.